The following is an entry in ClinVar:

NM_001035.3(RYR2):c.4209A>G (p.Ala1403=)

Gene: RYR2 (ryanodine receptor 2; plus strand). Cytogenetic location: 1q43.
Variant type: single nucleotide variant.
Coding change: c.4209A>G on transcript NM_001035.3 (MANE Select); coding-DNA position 4209, A replaced by G.
Protein change: p.Ala1403=; no amino-acid change (alanine 1403 retained).
Molecular consequence: synonymous variant.
Genome position (GRCh38, 1-based): chr1:237,591,787, A>G. VCF-style: chr1-237591787-A-G. GRCh37 (hg19) VCF-style: chr1-237755087-A-G.
Identifiers: ClinVar variation 179785 (VCV000179785.23), dbSNP rs727505126, ClinGen allele CA009491.

ClinVar aggregate classification (germline): Likely benign. Review status: criteria provided, multiple submitters, no conflicts (2 of 4 stars). 6 submissions from 6 submitters: Likely benign (6). Last evaluated 2025-11-01.

Conditions:
Cardiovascular phenotype. Identifiers: MedGen CN230736.
Catecholaminergic polymorphic ventricular tachycardia (CVPT). Also called: Catecholamine-induced polymorphic ventricular tachycardia. Identifiers: Orphanet 3286, MedGen C5574922, MONDO:0017990.
Cardiomyopathy (CMYO). Also called: Cardiomyopathies. Identifiers: Orphanet 167848, MedGen C0878544, MONDO:0004994, HP:0001638. Inheritance: Various modes of inheritance.
Catecholaminergic polymorphic ventricular tachycardia 1. Also called: VENTRICULAR TACHYCARDIA, CATECHOLAMINERGIC POLYMORPHIC, 1, WITH OR WITHOUT ATRIAL DYSFUNCTION AND/OR DILATED CARDIOMYOPATHY; RYR2-Related Catecholaminergic Polymorphic Ventricular Tachycardia; VENTRICULAR TACHYCARDIA, STRESS-INDUCED POLYMORPHIC 1. Identifiers: Orphanet 3286, MedGen C1631597, MONDO:0011484, OMIM 604772.

Allele frequency attached by ClinVar (database versions not stated): gnomAD 0.00001; TOPMed 0.00001; ExAC 0.00002; gnomAD exomes 0.00002 and 0.00005.
gnomAD v4.1: 74 of 1,613,646 alleles (0.0046%); highest among the groups gnomAD compares: Non-Finnish European, 0.0058%; no homozygotes.

Submissions (6):

Labcorp Genetics (formerly Invitae), Labcorp
Classification: Likely benign for Catecholaminergic polymorphic ventricular tachycardia 1. Last evaluated: 2025-11-01. Review status: criteria provided, single submitter. Criteria: Invitae Variant Classification Sherloc (09022015). Collection method: clinical testing. Allele origin: germline.

All of Us Research Program, National Institutes of Health
Classification: Likely benign for Catecholaminergic polymorphic ventricular tachycardia. Last evaluated: 2023-12-01. Review status: criteria provided, single submitter. Criteria: ACMG Guidelines, 2015. Collection method: clinical testing. Allele origin: germline. Inheritance: Autosomal dominant inheritance. Observed: 14 variant alleles, 14 heterozygotes.
Comment: This study involves interpretation of variants in research participants for the purpose of population health screening. Participant phenotype was not available at the time of variant classification. Additional details can be found in publication PMID: 35346344, PMCID: PMC8962531

Ambry Genetics
Classification: Likely benign for Cardiovascular phenotype. Last evaluated: 2022-02-17. Review status: criteria provided, single submitter. Criteria: Ambry Variant Classification Scheme 2023. Collection method: clinical testing. Allele origin: germline.

Blueprint Genetics
Classification: Likely benign. Last evaluated: 2019-11-13. Review status: criteria provided, single submitter. Criteria: ACMG Guidelines, 2015. Collection method: clinical testing. Allele origin: germline.

Color Diagnostics, LLC DBA Color Health
Classification: Likely benign for Cardiomyopathy. Last evaluated: 2018-11-16. Review status: criteria provided, single submitter. Criteria: ACMG Guidelines, 2015. Collection method: clinical testing. Allele origin: germline.

Laboratory for Molecular Medicine, Mass General Brigham Personalized Medicine
Classification: Likely benign. Last evaluated: 2014-05-22. Review status: criteria provided, single submitter. Criteria: LMM Criteria. Collection method: clinical testing. Allele origin: germline. Observed: 1 variant allele.
Comment: Ala1403Ala in exon 32 of RYR2: This variant is not expected to have clinical sig nificance because it does not alter an amino acid residue and is not located wit hin the splice consensus sequence.